The following is an entry in ClinVar:

NM_004990.4(MARS1):c.887+5A>G

Gene: MARS1 (methionyl-tRNA synthetase 1; plus strand). Cytogenetic location: 12q13.3.
Variant type: single nucleotide variant.
Coding change: c.887+5A>G on transcript NM_004990.4 (MANE Select); 5 bases into the intron after coding-DNA position 887, A replaced by G.
Molecular consequence: intron variant.
Genome position (GRCh38, 1-based): chr12:57,498,278, A>G. VCF-style: chr12-57498278-A-G. GRCh37 (hg19) VCF-style: chr12-57892061-A-G.
Identifiers: ClinVar variation 1681706 (VCV001681706.6), dbSNP rs1565643835, ClinGen allele CA2038891658.

ClinVar aggregate classification (germline): Uncertain significance (1 of 4 stars; one submission).

Conditions:
Severe early-onset pulmonary alveolar proteinosis due to MARS deficiency. Also called: PULMONARY ALVEOLAR PROTEINOSIS, REUNION ISLAND; Interstitial lung and liver disease. Identifiers: Orphanet 440427, MedGen C4225400, MONDO:0014206, OMIM 615486.
Charcot-Marie-Tooth disease axonal type 2U. Also called: CHARCOT-MARIE-TOOTH NEUROPATHY, TYPE 2U; CHARCOT-MARIE-TOOTH DISEASE, AXONAL, AUTOSOMAL DOMINANT, TYPE 2U. Identifiers: Orphanet 397735, MedGen C4084821, MONDO:0014566, OMIM 616280.

Submission:

Labcorp Genetics (formerly Invitae), Labcorp
Classification: Uncertain significance for Charcot-Marie-Tooth disease axonal type 2U; Severe early-onset pulmonary alveolar proteinosis due to MARS deficiency. Last evaluated: 2021-12-11. Review status: criteria provided, single submitter. Criteria: Invitae Variant Classification Sherloc (09022015). Collection method: clinical testing. Allele origin: germline.
Comment: This variant has not been reported in the literature in individuals affected with MARS-related conditions. This variant is not present in population databases (gnomAD no frequency). This sequence change falls in intron 8 of the MARS gene. It does not directly change the encoded amino acid sequence of the MARS protein. It affects a nucleotide within the consensus splice site. Variants that disrupt the consensus splice site are a relatively common cause of aberrant splicing (PMID: 17576681, 9536098). Algorithms developed to predict the effect of sequence changes on RNA splicing suggest that this variant may create or strengthen a splice site. In summary, the available evidence is currently insufficient to determine the role of this variant in disease. Therefore, it has been classified as a Variant of Uncertain Significance.

Literature cited by the submitters: PubMed 17576681; PubMed 9536098.